The following is an entry in ClinVar:

ClinVar aggregate classification (germline): Likely pathogenic. Review status: criteria provided, multiple submitters, no conflicts (2 of 4 stars). 2 submissions from 2 submitters: Likely pathogenic (2). Last evaluated 2024-02-23.

Conditions:
Early-infantile DEE. Also called: Ohtahara syndrome; Early infantile epileptic encephalopathy; Early infantile epileptic encephalopathy with suppression bursts. Identifiers: Orphanet 1934, MedGen C0393706, MONDO:0800491.

Submissions (2):

Labcorp Genetics (formerly Invitae), Labcorp
Classification: Likely pathogenic for Early-infantile DEE. Last evaluated: 2024-02-23. Review status: criteria provided, single submitter. Criteria: Invitae Variant Classification Sherloc (09022015). Collection method: clinical testing. Allele origin: germline.
Comment: This sequence change replaces isoleucine, which is neutral and non-polar, with serine, which is neutral and polar, at codon 68 of the SCN1A protein (p.Ile68Ser). This variant is not present in population databases (gnomAD no frequency). This missense change has been observed in individual(s) with clinical features of SCN1A-related conditions (Invitae). ClinVar contains an entry for this variant (Variation ID: 206942). Advanced modeling of protein sequence and biophysical properties (such as structural, functional, and spatial information, amino acid conservation, physicochemical variation, residue mobility, and thermodynamic stability) performed at Invitae indicates that this missense variant is expected to disrupt SCN1A protein function with a positive predictive value of 95%. This variant disrupts the p.Ile68 amino acid residue in SCN1A. Other variant(s) that disrupt this residue have been determined to be pathogenic (PMID: 21248271, 35074891). This suggests that this residue is clinically significant, and that variants that disrupt this residue are likely to be disease-causing. In summary, the currently available evidence indicates that the variant is pathogenic, but additional data are needed to prove that conclusively. Therefore, this variant has been classified as Likely Pathogenic.

GeneDx
Classification: Likely pathogenic. Last evaluated: 2018-08-28. Review status: criteria provided, single submitter. Criteria: GeneDx Variant Classification (06012015). Collection method: clinical testing. Allele origin: germline. Affected: yes.
Comment: The I68S variant has not been published as a pathogenic variant, nor has it been reported as a benign variant to our knowledge. The I68S variant is not observed in large population cohorts (Lek et al., 2016). The I68S variant is a non-conservative amino acid substitution, which is likely to impact secondary protein structure as these residues differ in polarity, charge, size and/or other properties. This substitution is predicted to be within the N-terminal cytoplasmic domain. In-silico analyses, including protein predictors and evolutionary conservation, support a deleterious effect. Therefore, this variant is likely pathogenic; however, the possibility that it is benign cannot be excluded.

Literature cited by the submitters: PubMed 21248271 (cited by Labcorp Genetics (formerly Invitae), Labcorp); PubMed 35074891 (cited by Labcorp Genetics (formerly Invitae), Labcorp).

NM_001165963.4(SCN1A):c.203T>G (p.Ile68Ser)

Gene: SCN1A (sodium voltage-gated channel alpha subunit 1; minus strand). Cytogenetic location: 2q24.3.
Variant type: single nucleotide variant.
Coding change: c.203T>G on transcript NM_001165963.4 (MANE Select); coding-DNA position 203, T replaced by G.
Protein change: p.Ile68Ser; replaces isoleucine 68 with serine.
Molecular consequence: missense variant. On other transcripts: 5 prime UTR variant (1), non-coding transcript variant (1).
Genome position (GRCh38, 1-based): chr2:166,073,419, A>C on the plus strand (T>G on the coding strand, the complement: SCN1A is on the minus strand). VCF-style: chr2-166073419-A-C. GRCh37 (hg19) VCF-style: chr2-166929929-A-C.
Other names: p.I68S:ATT>AGT; c.203T>G, p.Ile68Ser (NM_001165964.3, NM_001202435.3, NM_001353948.2 and 10 more transcripts); c.-2223T>G (NM_001353961.2); short protein forms I68S.
Identifiers: ClinVar variation 206942 (VCV000206942.10), dbSNP rs758871507, ClinGen allele CA317804.
Genomic context (GRCh38, chr2:166,073,419, plus strand): 5'-TTCTTATTGATATAGTAGGGGTCCAGGTCCTCCAGGGGCTCTGACACCATCTCTGGAGGA[A>C]TGTCTCCATAAATAAATGGAAGGTTCTTTCCAGCTTCCAAGTCACTATTTGGCTTTGGGC-3'
Protein context (NP_001159435.1, residues 58-78): GKNLPFIYGD[Ile68Ser]PPEMVSEPLE